The following is an entry in ClinVar:

ClinVar aggregate classification (germline): Uncertain significance. Review status: criteria provided, multiple submitters, no conflicts (2 of 4 stars). 2 submissions from 2 submitters: Uncertain significance (2). Last evaluated 2024-12-05.

Allele frequency attached by ClinVar (database versions not stated): gnomAD exomes 0.00001; gnomAD 0.00002; ESP Exome Variant Server 0.00008.
gnomAD v4.1: 6 of 1,613,880 alleles (0.00037%); highest among the groups gnomAD compares: East Asian, 0.0022%; no homozygotes.

Submissions (2):

Labcorp Genetics (formerly Invitae), Labcorp
Classification: Uncertain significance. Last evaluated: 2024-12-05. Review status: criteria provided, single submitter. Criteria: Invitae Variant Classification Sherloc (09022015). Collection method: clinical testing. Allele origin: germline.
Comment: This sequence change replaces glycine, which is neutral and non-polar, with glutamic acid, which is acidic and polar, at codon 583 of the FLNB protein (p.Gly583Glu). This variant is present in population databases (rs372430835, gnomAD 0.007%). This variant has not been reported in the literature in individuals affected with FLNB-related conditions. ClinVar contains an entry for this variant (Variation ID: 2441480). An algorithm developed to predict the effect of missense changes on protein structure and function (PolyPhen-2) suggests that this variant is likely to be disruptive. In summary, the available evidence is currently insufficient to determine the role of this variant in disease. Therefore, it has been classified as a Variant of Uncertain Significance.

Revvity Omics, Revvity
Classification: Uncertain significance. Last evaluated: 2021-12-06. Review status: criteria provided, single submitter. Criteria: ACMG Guidelines, 2015. Collection method: clinical testing. Allele origin: germline.

NM_001457.4(FLNB):c.1748G>A (p.Gly583Glu)

Gene: FLNB (filamin B; plus strand). Cytogenetic location: 3p14.3.
Variant type: single nucleotide variant.
Coding change: c.1748G>A on transcript NM_001457.4 (MANE Select); coding-DNA position 1748, G replaced by A.
Protein change: p.Gly583Glu; replaces glycine 583 with glutamic acid.
Molecular consequence: missense variant.
Genome position (GRCh38, 1-based): chr3:58,106,680, G>A. VCF-style: chr3-58106680-G-A. GRCh37 (hg19) VCF-style: chr3-58092407-G-A.
Other names: c.1748G>A, p.Gly583Glu (NM_001164317.2, NM_001164318.2, NM_001164319.2); short protein forms G583E.
Identifiers: ClinVar variation 2441480 (VCV002441480.5), dbSNP rs372430835, ClinGen allele CA75432161.